The following is an entry in ClinVar:

NM_004304.5(ALK):c.1168C>G (p.Gln390Glu)

Gene: ALK (ALK receptor tyrosine kinase; minus strand). Cytogenetic location: 2p23.2.
Variant type: single nucleotide variant.
Coding change: c.1168C>G on transcript NM_004304.5 (MANE Select); coding-DNA position 1168, C replaced by G.
Protein change: p.Gln390Glu; replaces glutamine 390 with glutamic acid.
Molecular consequence: missense variant.
Genome position (GRCh38, 1-based): chr2:29,383,846, G>C on the plus strand (C>G on the coding strand, the complement: ALK is on the minus strand). VCF-style: chr2-29383846-G-C. GRCh37 (hg19) VCF-style: chr2-29606712-G-C.
Other names: short protein forms Q390E.
Identifiers: ClinVar variation 3223786 (VCV003223786.1), dbSNP rs2148301771, ClinGen allele CA346585497.

ClinVar aggregate classification (germline): Uncertain significance (1 of 4 stars; one submission).

Conditions:
Hereditary cancer-predisposing syndrome. Also called: Tumor predisposition; Hereditary neoplastic syndrome; Hereditary Cancer Syndrome; Neoplastic Syndromes, Hereditary. Identifiers: Orphanet 140162, MedGen C0027672, MeSH D009386, MONDO:0015356.

Submission:

Ambry Genetics
Classification: Uncertain significance for Hereditary cancer-predisposing syndrome. Last evaluated: 2024-01-14. Review status: criteria provided, single submitter. Criteria: Ambry Variant Classification Scheme 2023. Collection method: clinical testing. Allele origin: germline.
Comment: The p.Q390E variant (also known as c.1168C>G), located in coding exon 5 of the ALK gene, results from a C to G substitution at nucleotide position 1168. The glutamine at codon 390 is replaced by glutamic acid, an amino acid with highly similar properties. This amino acid position is conserved. In addition, this alteration is predicted to be tolerated by in silico analysis. Since supporting evidence is limited at this time, the clinical significance of this alteration remains unclear.